The following is an entry in ClinVar:

ClinVar aggregate classification (germline): Uncertain significance (1 of 4 stars; one submission).

Conditions:
Familial cancer of breast. Also called: BREAST CANCER, FAMILIAL; Hereditary breast cancer; hereditary breast carcinoma. Identifiers: Orphanet 227535, MedGen C0346153, MONDO:0016419, OMIM 114480. Disease mechanism: loss of function.

Submission:

Centre for Mendelian Genomics, University Medical Centre Ljubljana
Classification: Uncertain significance for Familial cancer of breast. Last evaluated: 2022-12-09. Review status: criteria provided, single submitter. Criteria: ACMG Guidelines, 2015. Collection method: research. Allele origin: germline. Affected: no.
Comment: PVS1, PM2_SUP

NM_032043.3(BRIP1):c.318del (p.His107fs)

Gene: BRIP1 (BRCA1 interacting DNA helicase 1; minus strand). Cytogenetic location: 17q23.2.
Variant type: Deletion.
Coding change: c.318del on transcript NM_032043.3 (MANE Select); coding-DNA position 318, one base deleted (T; older notation c.318delT).
Protein change: p.His107fs; shifts the reading frame from histidine 107.
Molecular consequence: frameshift variant.
Genome position (GRCh38, 1-based): chr17:61,857,119, A deleted on the plus strand (T on the coding strand, the reverse complement: BRIP1 is on the minus strand). VCF-style (leftmost placement, unchanged base first): chr17-61857118-GA-G. GRCh37 (hg19) VCF-style: chr17-59934479-GA-G.
Other names: short protein forms H107fs.
Identifiers: ClinVar variation 1803770 (VCV001803770.2), dbSNP rs2545458839, ClinGen allele CA2580094485.